The following is an entry in ClinVar:

ClinVar aggregate classification (germline): Uncertain significance. Review status: criteria provided, multiple submitters, no conflicts (2 of 4 stars). 2 submissions from 2 submitters: Uncertain significance (2). Last evaluated 2024-10-15.

Conditions:
Temtamy syndrome (TEMTYS). Also called: MENTAL RETARDATION WITH OR WITHOUT CRANIOFACIAL DYSMORPHISM, OCULAR COLOBOMA, OR ABNORMAL CORPUS CALLOSUM. Identifiers: Orphanet 1777, MedGen C1857512, MONDO:0009033, OMIM 218340.

Allele frequency attached by ClinVar (database versions not stated): ExAC 0.00001; gnomAD 0.00001; TOPMed 0.00001.
gnomAD v4.1: 8 of 1,614,044 alleles (0.0005%); highest among the groups gnomAD compares: Non-Finnish European, 0.00068%; no homozygotes.

Submissions (2):

Labcorp Genetics (formerly Invitae), Labcorp
Classification: Uncertain significance for Temtamy syndrome. Last evaluated: 2024-10-15. Review status: criteria provided, single submitter. Criteria: Invitae Variant Classification Sherloc (09022015). Collection method: clinical testing. Allele origin: germline.
Comment: This sequence change replaces alanine, which is neutral and non-polar, with serine, which is neutral and polar, at codon 43 of the C12orf57 protein (p.Ala43Ser). This variant is present in population databases (rs782311451, gnomAD 0.0009%). This variant has not been reported in the literature in individuals affected with C12orf57-related conditions. ClinVar contains an entry for this variant (Variation ID: 581132). An algorithm developed to predict the effect of missense changes on protein structure and function (PolyPhen-2) suggests that this variant is likely to be tolerated. In summary, the available evidence is currently insufficient to determine the role of this variant in disease. Therefore, it has been classified as a Variant of Uncertain Significance.

CeGaT Center for Human Genetics Tuebingen
Classification: Uncertain significance. Last evaluated: 2016-06-01. Review status: criteria provided, single submitter. Criteria: CeGaT Center For Human Genetics Tuebingen Variant Classification Criteria Version 2. Collection method: clinical testing. Allele origin: germline. Affected: yes. Observed: 1 variant allele.

NM_138425.4(C12orf57):c.127G>T (p.Ala43Ser)

Gene: C12orf57 (chromosome 12 open reading frame 57; plus strand). Cytogenetic location: 12p13.31.
Variant type: single nucleotide variant.
Coding change: c.127G>T on transcript NM_138425.4 (MANE Select); coding-DNA position 127, G replaced by T.
Protein change: p.Ala43Ser; replaces alanine 43 with serine.
Molecular consequence: missense variant. On other transcripts: non-coding transcript variant (1).
Genome position (GRCh38, 1-based): chr12:6,944,550, G>T. VCF-style: chr12-6944550-G-T. GRCh37 (hg19) VCF-style: chr12-7053713-G-T.
Other names: c.127G>T, p.Ala43Ser (NM_001301834.1, NM_001301837.2); c.88G>T, p.Ala30Ser (NM_001301836.2); c.22G>T, p.Ala8Ser (NM_001301838.2); short protein forms A43S, A30S, A8S.
Identifiers: ClinVar variation 581132 (VCV000581132.50), dbSNP rs782311451, ClinGen allele CA6421268.